The following is an entry in ClinVar:

ClinVar aggregate classification (germline): Uncertain significance (1 of 4 stars; one submission).

Conditions:
Joubert syndrome. Also called: CEREBELLOPARENCHYMAL DISORDER IV; JOUBERT-BOLTSHAUSER SYNDROME; Familial aplasia of the vermis. Identifiers: Orphanet 475, MedGen C5979921, MONDO:0018772.

Submission:

Labcorp Genetics (formerly Invitae), Labcorp
Classification: Uncertain significance for Joubert syndrome. Last evaluated: 2022-08-22. Review status: criteria provided, single submitter. Criteria: Invitae Variant Classification Sherloc (09022015). Collection method: clinical testing. Allele origin: germline.
Comment: This sequence change replaces leucine, which is neutral and non-polar, with isoleucine, which is neutral and non-polar, at codon 114 of the TMEM216 protein (p.Leu114Ile). In summary, the available evidence is currently insufficient to determine the role of this variant in disease. Therefore, it has been classified as a Variant of Uncertain Significance. Algorithms developed to predict the effect of missense changes on protein structure and function are either unavailable or do not agree on the potential impact of this missense change (SIFT: "Deleterious"; PolyPhen-2: "Benign"; Align-GVGD: "Class C0"). This variant has not been reported in the literature in individuals affected with TMEM216-related conditions. This variant is not present in population databases (gnomAD no frequency).

NM_001173990.3(TMEM216):c.340C>A (p.Leu114Ile)

Gene: TMEM216 (transmembrane protein 216; plus strand). Cytogenetic location: 11q12.2.
Variant type: single nucleotide variant.
Coding change: c.340C>A on transcript NM_001173990.3 (MANE Select); coding-DNA position 340, C replaced by A.
Protein change: p.Leu114Ile; replaces leucine 114 with isoleucine.
Molecular consequence: missense variant.
Genome position (GRCh38, 1-based): chr11:61,397,884, C>A. VCF-style: chr11-61397884-C-A. GRCh37 (hg19) VCF-style: chr11-61165356-C-A.
Other names: c.340C>A, p.Leu114Ile (NM_001173991.3); c.157C>A, p.Leu53Ile (NM_001330285.2, NM_016499.6); short protein forms L114I, L53I.
Identifiers: ClinVar variation 1716249 (VCV001716249.6), dbSNP rs2539896630, ClinGen allele CA380686305.